The following is an entry in ClinVar:

NM_198075.4(LRRC56):c.1053dup (p.Glu352fs)

Gene: LRRC56 (leucine rich repeat containing 56; plus strand). Cytogenetic location: 11p15.5.
Variant type: Duplication.
Coding change: c.1053dup on transcript NM_198075.4 (MANE Select); coding-DNA position 1053, one base duplicated (C; older notation c.1053dupC).
Protein change: p.Glu352fs; shifts the reading frame from glutamic acid 352.
Molecular consequence: frameshift variant.
Genome position (GRCh38, 1-based): chr11:552,104, C duplicated; the last of 6 consecutive C bases (chr11:552,099-552,104); duplicating any one gives the same sequence. VCF-style (leftmost placement, unchanged base first): chr11-552098-G-GC. GRCh37 (hg19) VCF-style: chr11-552098-G-GC.
Other names: short protein forms E352fs.
Identifiers: ClinVar variation 1929009 (VCV001929009.7), dbSNP rs761092893, ClinGen allele CA5779936.

ClinVar aggregate classification (germline): Pathogenic/Likely pathogenic. Review status: criteria provided, multiple submitters, no conflicts (2 of 4 stars). 2 submissions from 2 submitters: Pathogenic (1); Likely pathogenic (1). Last evaluated 2024-10-03.

Conditions:
Ciliary dyskinesia, primary, 39. Also called: CILIARY DYSKINESIA, PRIMARY, 39, WITH OR WITHOUT SITUS INVERSUS. Identifiers: MedGen C4748841, MONDO:0032637, OMIM 618254.

Submissions (2):

Labcorp Genetics (formerly Invitae), Labcorp
Classification: Pathogenic. Last evaluated: 2024-10-03. Review status: criteria provided, single submitter. Criteria: Invitae Variant Classification Sherloc (09022015). Collection method: clinical testing. Allele origin: germline.
Comment: This sequence change creates a premature translational stop signal (p.Glu352Argfs*21) in the LRRC56 gene. It is expected to result in an absent or disrupted protein product. Loss-of-function variants in LRRC56 are known to be pathogenic (PMID: 30388400). This variant is present in population databases (rs761092893, gnomAD 0.03%). This variant has not been reported in the literature in individuals affected with LRRC56-related conditions. ClinVar contains an entry for this variant (Variation ID: 1929009). For these reasons, this variant has been classified as Pathogenic.

Juno Genomics, Hangzhou Juno Genomics, Inc
Classification: Likely pathogenic for Ciliary dyskinesia, primary, 39. Review status: criteria provided, single submitter. Criteria: ACMG Guidelines, 2015. Collection method: clinical testing. Allele origin: germline.
Comment: Absent from controls (or at extremely low frequency if recessive) in Genome Aggregation Database.;Null variant in a gene where loss of function (LOF) is a known mechanism of disease.;For recessive disorders, detected in trans with a pathogenic variant.

Literature cited by the submitters: PubMed 30388400 (cited by Labcorp Genetics (formerly Invitae), Labcorp).